The following is an entry in ClinVar:

ClinVar aggregate classification (germline): Likely benign. Review status: criteria provided, multiple submitters, no conflicts (2 of 4 stars). 3 submissions from 3 submitters: Likely benign (3). Last evaluated 2026-01-19.

Allele frequency attached by ClinVar (database versions not stated): gnomAD 0.00030 and 0.00032; TOPMed 0.00033; ExAC 0.00038; gnomAD exomes 0.00039 and 0.00064; ESP Exome Variant Server 0.00069.
gnomAD v4.1: 974 of 1,611,694 alleles (0.06%); highest among the groups gnomAD compares: Non-Finnish European, 0.075%; 1 homozygote.

Submissions (3):

Labcorp Genetics (formerly Invitae), Labcorp
Classification: Likely benign. Last evaluated: 2026-01-19. Review status: criteria provided, single submitter. Criteria: Invitae Variant Classification Sherloc (09022015). Collection method: clinical testing. Allele origin: germline.

Blueprint Genetics
Classification: Likely benign. Last evaluated: 2024-10-09. Review status: criteria provided, single submitter. Criteria: ACMG Guidelines, 2015. Collection method: clinical testing. Allele origin: germline.

CeGaT Center for Human Genetics Tuebingen
Classification: Likely benign. Last evaluated: 2023-10-01. Review status: criteria provided, single submitter. Criteria: CeGaT Center For Human Genetics Tuebingen Variant Classification Criteria Version 2. Collection method: clinical testing. Allele origin: germline. Affected: yes. Observed: 2 variant alleles.
Comment: DEF6: BP4, BP7

NM_022047.4(DEF6):c.1224C>T (p.Ala408=)

Gene: DEF6 (DEF6 guanine nucleotide exchange factor; plus strand). Cytogenetic location: 6p21.31.
Variant type: single nucleotide variant.
Coding change: c.1224C>T on transcript NM_022047.4 (MANE Select); coding-DNA position 1224, C replaced by T.
Protein change: p.Ala408=; no amino-acid change (alanine 408 retained).
Molecular consequence: synonymous variant.
Genome position (GRCh38, 1-based): chr6:35,319,532, C>T. VCF-style: chr6-35319532-C-T. GRCh37 (hg19) VCF-style: chr6-35287309-C-T.
Identifiers: ClinVar variation 1299030 (VCV001299030.41), dbSNP rs138908911, ClinGen allele CA3770901.